The following is an entry in ClinVar:

NM_001453.3(FOXC1):c.446G>A (p.Gly149Asp)

Gene: FOXC1 (forkhead box C1; plus strand). Cytogenetic location: 6p25.3.
Variant type: single nucleotide variant.
Coding change: c.446G>A on transcript NM_001453.3 (MANE Select); coding-DNA position 446, G replaced by A.
Protein change: p.Gly149Asp; replaces glycine 149 with aspartic acid.
Molecular consequence: missense variant.
Genome position (GRCh38, 1-based): chr6:1,610,891, G>A. VCF-style: chr6-1610891-G-A. GRCh37 (hg19) VCF-style: chr6-1611126-G-A.
Other names: short protein forms G149D.
Identifiers: ClinVar variation 3340293 (VCV003340293.1).
Genomic context (GRCh38, chr6:1,610,891, plus strand): 5'-ACCTCTCGCTCAACGAGTGCTTCGTCAAGGTGCCGCGCGACGACAAGAAGCCGGGCAAGG[G>A]CAGCTACTGGACGCTGGACCCGGACTCCTACAACATGTTCGAGAACGGCAGCTTCCTGCG-3'
Protein context (NP_001444.2, residues 139-159): VPRDDKKPGK[Gly149Asp]SYWTLDPDSY

ClinVar aggregate classification (germline): Uncertain significance (1 of 4 stars; one submission).

Submission:

GeneDx
Classification: Uncertain significance. Last evaluated: 2023-06-21. Review status: criteria provided, single submitter. Criteria: GeneDx Variant Classification Process June 2021. Collection method: clinical testing. Allele origin: germline. Affected: yes.
Comment: Not observed at significant frequency in large population cohorts (gnomAD); In silico analysis supports that this missense variant has a deleterious effect on protein structure/function; Functional studies performed that show G149D has transcriptional defects, however with different effects depending on the system used for the study (Zhang et al., 2020); Identified in a patient with Axenfeld-Rieger syndrome, however, familial segregation information was not provided (Weisschuh et al., 2006); This variant is associated with the following publications: (PMID: 30722065, 27804176, 32631953, 16936096)